The following is an entry in ClinVar:

ClinVar aggregate classification (germline): Uncertain significance (1 of 4 stars; one submission).

Conditions:
Hereditary cancer-predisposing syndrome. Also called: Tumor predisposition; Neoplastic Syndromes, Hereditary; Hereditary neoplastic syndrome; Hereditary Cancer Syndrome. Identifiers: Orphanet 140162, MedGen C0027672, MeSH D009386, MONDO:0015356.

Submission:

Labcorp Genetics (formerly Invitae), Labcorp
Classification: Uncertain significance for Hereditary cancer-predisposing syndrome. Last evaluated: 2023-11-01. Review status: criteria provided, single submitter. Criteria: Invitae Variant Classification Sherloc (09022015). Collection method: clinical testing. Allele origin: germline.
Comment: This sequence change falls in intron 12 of the RAD50 gene. It does not directly change the encoded amino acid sequence of the RAD50 protein. RNA analysis indicates that this variant induces altered splicing and may result in an absent or disrupted protein product. This variant is not present in population databases (gnomAD no frequency). This variant has not been reported in the literature in individuals affected with RAD50-related conditions. ClinVar contains an entry for this variant (Variation ID: 849138). Variants that disrupt the consensus splice site are a relatively common cause of aberrant splicing (PMID: 17576681, 9536098). Studies have shown that this variant results in skipping of exon 12 and introduces a premature termination codon (Invitae). The resulting mRNA is expected to undergo nonsense-mediated decay. In summary, the available evidence is currently insufficient to determine the role of this variant in disease. Therefore, it has been classified as a Variant of Uncertain Significance.

Literature cited by the submitters: PubMed 17576681; PubMed 9536098.

NM_005732.4(RAD50):c.1969+5G>C

Gene: RAD50 (RAD50 double strand break repair protein; plus strand). Cytogenetic location: 5q31.1.
Variant type: single nucleotide variant.
Coding change: c.1969+5G>C on transcript NM_005732.4 (MANE Select); 5 bases into the intron after coding-DNA position 1969, G replaced by C.
Molecular consequence: intron variant.
Genome position (GRCh38, 1-based): chr5:132,595,049, G>C. VCF-style: chr5-132595049-G-C. GRCh37 (hg19) VCF-style: chr5-131930741-G-C.
Identifiers: ClinVar variation 849138 (VCV000849138.8), dbSNP rs1255272956, ClinGen allele CA916082767.